The following is an entry in ClinVar:

NM_006231.4(POLE):c.1466C>A (p.Pro489His)

Gene: POLE (DNA polymerase epsilon, catalytic subunit; minus strand). Cytogenetic location: 12q24.33.
Variant type: single nucleotide variant.
Coding change: c.1466C>A on transcript NM_006231.4 (MANE Select); coding-DNA position 1466, C replaced by A.
Protein change: p.Pro489His; replaces proline 489 with histidine.
Molecular consequence: missense variant.
Genome position (GRCh38, 1-based): chr12:132,673,171, G>T on the plus strand (C>A on the coding strand, the complement: POLE is on the minus strand). VCF-style: chr12-132673171-G-T. GRCh37 (hg19) VCF-style: chr12-133249757-G-T.
Other names: short protein forms P489H.
Identifiers: ClinVar variation 1773258 (VCV001773258.5), dbSNP rs779550685, ClinGen allele CA387358072.

ClinVar aggregate classification (germline): Uncertain significance. Review status: criteria provided, multiple submitters, no conflicts (2 of 4 stars). 2 submissions from 2 submitters: Uncertain significance (2). Last evaluated 2025-12-13.

Conditions:
Hereditary cancer-predisposing syndrome. Also called: Hereditary Cancer Syndrome; Hereditary neoplastic syndrome; Neoplastic Syndromes, Hereditary; Tumor predisposition. Identifiers: Orphanet 140162, MedGen C0027672, MeSH D009386, MONDO:0015356.

Submissions (2):

Labcorp Genetics (formerly Invitae), Labcorp
Classification: Uncertain significance. Last evaluated: 2025-12-13. Review status: criteria provided, single submitter. Criteria: Invitae Variant Classification Sherloc (09022015). Collection method: clinical testing. Allele origin: germline.
Comment: This sequence change replaces proline, which is neutral and non-polar, with histidine, which is basic and polar, at codon 489 of the POLE protein (p.Pro489His). This variant is not present in population databases (gnomAD no frequency). This variant has not been reported in the literature in individuals affected with POLE-related conditions. ClinVar contains an entry for this variant (Variation ID: 1773258). Invitae Evidence Modeling of protein sequence and biophysical properties (such as structural, functional, and spatial information, amino acid conservation, physicochemical variation, residue mobility, and thermodynamic stability) indicates that this missense variant is expected to disrupt POLE protein function with a positive predictive value of 80%. In summary, the available evidence is currently insufficient to determine the role of this variant in disease. Therefore, it has been classified as a Variant of Uncertain Significance.

Ambry Genetics
Classification: Uncertain significance for Hereditary cancer-predisposing syndrome. Last evaluated: 2022-04-07. Review status: criteria provided, single submitter. Criteria: Ambry Variant Classification Scheme 2023. Collection method: clinical testing. Allele origin: germline.
Comment: The p.P489H variant (also known as c.1466C>A), located in coding exon 14 of the POLE gene, results from a C to A substitution at nucleotide position 1466. The proline at codon 489 is replaced by histidine, an amino acid with similar properties. This amino acid position is conserved. In addition, the in silico prediction for this alteration is inconclusive. Since supporting evidence is limited at this time, the clinical significance of this alteration remains unclear.